The following is an entry in ClinVar:

NM_007294.4(BRCA1):c.2109A>G (p.Thr703=)

Gene: BRCA1 (BRCA1 DNA repair associated; minus strand). Cytogenetic location: 17q21.31.
Variant type: single nucleotide variant.
Coding change: c.2109A>G on transcript NM_007294.4 (MANE Select); coding-DNA position 2109, A replaced by G.
Protein change: p.Thr703=; no amino-acid change (threonine 703 retained).
Molecular consequence: synonymous variant. On other transcripts: intron variant (137).
Genome position (GRCh38, 1-based): chr17:43,093,422, T>C on the plus strand (A>G on the coding strand, the complement: BRCA1 is on the minus strand). VCF-style: chr17-43093422-T-C. GRCh37 (hg19) VCF-style: chr17-41245439-T-C.
Other names: T703T; p.T703T:ACA>ACG; NP_009225.1:p.Thr703=; p.Thr703=; c.1896A>G, p.Thr632= (NM_001407571.1, NM_001407853.1, NM_001407894.1 and 9 more transcripts); c.2109A>G, p.Thr703= (NM_001407581.1, NM_001407582.1, NM_001407583.1 and 30 more transcripts); c.2106A>G, p.Thr702= (NM_001407587.1, NM_001407590.1, NM_001407591.1 and 22 more transcripts); c.2100A>G, p.Thr700= (NM_001407646.1, NM_001407647.1); and 46 more.
Identifiers: ClinVar variation 54461 (VCV000054461.62), dbSNP rs4986844, ClinGen allele CA001395.

ClinVar aggregate classification (germline): Benign. Review status: reviewed by expert panel (3 of 4 stars). 23 submissions from 23 submitters: Benign (1). 22 of the submissions do not count toward it. Last evaluated 2017-06-29.

Conditions:
Breast and/or ovarian cancer. Identifiers: MedGen CN221562.
Hereditary cancer-predisposing syndrome. Also called: Tumor predisposition; Neoplastic Syndromes, Hereditary; Hereditary Cancer Syndrome; Hereditary neoplastic syndrome. Identifiers: Orphanet 140162, MedGen C0027672, MeSH D009386, MONDO:0015356.
Hereditary breast ovarian cancer syndrome. Also called: Hereditary breast and ovarian cancer syndrome (HBOC); Hereditary breast and ovarian cancer syndrome; Hereditary breast and ovarian cancer; Hereditary breast and/or ovarian cancer syndrome; Breast and ovarian cancer; BRCA1- and BRCA2-Associated Hereditary Breast and Ovarian Cancer. Identifiers: Orphanet 145, MedGen C0677776, MeSH D061325, MONDO:0003582. Disease mechanism: loss of function.
Breast-ovarian cancer, familial, susceptibility to, 1 (BROVCA1). Also called: OVARIAN CANCER, SUSCEPTIBILITY TO; BRCA1 Hereditary Breast and Ovarian Cancer. Identifiers: Orphanet 145, MedGen C2676676, MONDO:0011450, OMIM 604370. Disease mechanism: loss of function.
Familial cancer of breast. Also called: Hereditary breast cancer; hereditary breast carcinoma; BREAST CANCER, FAMILIAL. Identifiers: Orphanet 227535, MedGen C0346153, MONDO:0016419, OMIM 114480. Disease mechanism: loss of function.

Allele frequency attached by ClinVar (database versions not stated): gnomAD 0.00133 and 0.00147; 1000 Genomes Project 30x 0.00141; TOPMed 0.00148; 1000 Genomes Project 0.00160; ESP Exome Variant Server 0.00169; gnomAD exomes 0.00014 and 0.00040; ExAC 0.00052.
gnomAD v4.1: 414 of 1,614,070 alleles (0.026%); highest among the groups gnomAD compares: African/African-American, 0.5%; 2 homozygotes.

Submissions (23):

Evidence-based Network for the Interpretation of Germline Mutant Alleles (ENIGMA)
Classification: Benign for Breast-ovarian cancer, familial, susceptibility to, 1. Last evaluated: 2017-06-29. Review status: reviewed by expert panel. Criteria: ENIGMA BRCA1/2 Classification Criteria (2017-06-29). Collection method: curation. Allele origin: germline.
Comment: Synonymous substitution variant, with low bioinformatic likelihood to alter mRNA splicing (splicing prior 0.02) and frequency 0.0052 (African), derived from ExAC (2014-12-17).

Labcorp Genetics (formerly Invitae), Labcorp
Classification: Benign for Hereditary breast ovarian cancer syndrome. Last evaluated: 2026-02-02. Review status: criteria provided, single submitter. Criteria: Invitae Variant Classification Sherloc (09022015). Collection method: clinical testing. Allele origin: germline. Not counted in ClinVar's aggregate classification.

Center for Genomic Medicine, Rigshospitalet, Copenhagen University Hospital
Classification: Benign. Last evaluated: 2025-03-04. Review status: criteria provided, single submitter. Criteria: ACMG Guidelines, 2015. Collection method: clinical testing. Allele origin: germline. Not counted in ClinVar's aggregate classification.

KCCC/NGS Laboratory, Kuwait Cancer Control Center
Classification: Benign for Breast-ovarian cancer, familial, susceptibility to, 1. Last evaluated: 2025-02-01. Review status: criteria provided, single submitter. Criteria: ACMG Guidelines, 2015. Collection method: clinical testing. Allele origin: germline. Affected: no. Not counted in ClinVar's aggregate classification.

ARUP Laboratories, Molecular Genetics and Genomics, ARUP Laboratories
Classification: Benign. Last evaluated: 2024-12-12. Review status: criteria provided, single submitter. Criteria: ARUP Molecular Germline Variant Investigation Process 2024. Collection method: clinical testing. Allele origin: germline. Not counted in ClinVar's aggregate classification.

Mayo Clinic Laboratories, Mayo Clinic
Classification: Benign. Last evaluated: 2024-07-30. Review status: criteria provided, single submitter. Criteria: ACMG Guidelines, 2015. Collection method: clinical testing. Allele origin: germline. Observed: 6 variant alleles. Not counted in ClinVar's aggregate classification.
Comment: BA1, BP1_strong

CHEO Genetics Diagnostic Laboratory, Children's Hospital of Eastern Ontario
Classification: Likely benign for Breast and/or ovarian cancer. Last evaluated: 2023-01-18. Review status: criteria provided, single submitter. Criteria: ACMG Guidelines, 2015. Collection method: clinical testing. Allele origin: germline. Not counted in ClinVar's aggregate classification.

Blueprint Genetics
Classification: Likely benign. Last evaluated: 2022-07-25. Review status: criteria provided, single submitter. Criteria: ACMG Guidelines, 2015. Collection method: clinical testing. Allele origin: germline. Not counted in ClinVar's aggregate classification.

National Health Laboratory Service, Universitas Academic Hospital and University of the Free State
Classification: Benign for Hereditary breast ovarian cancer syndrome. Last evaluated: 2022-04-19. Review status: criteria provided, single submitter. Criteria: ACMG Guidelines, 2015. Collection method: clinical testing. Allele origin: germline. Affected: yes. Observed: 18 variant alleles. Not counted in ClinVar's aggregate classification.

Sema4
Classification: Benign for Hereditary cancer-predisposing syndrome. Last evaluated: 2020-04-28. Review status: criteria provided, single submitter. Criteria: Sema4 Curation Guidelines. Collection method: curation. Allele origin: germline. Not counted in ClinVar's aggregate classification.

Genetic Services Laboratory, University of Chicago
Classification: Benign. Last evaluated: 2019-07-14. Review status: criteria provided, single submitter. Criteria: ACMG Guidelines, 2015. Collection method: clinical testing. Allele origin: germline. Affected: no. Not counted in ClinVar's aggregate classification.

Baylor Genetics
Classification: Benign for Familial cancer of breast. Last evaluated: 2017-02-23. Review status: criteria provided, single submitter. Criteria: ACMG Guidelines, 2015. Collection method: clinical testing. Allele origin: germline. Inheritance: Autosomal dominant inheritance. Affected: no. Not counted in ClinVar's aggregate classification.

Molecular Genetics Laboratory, University of Michigan
Classification: Benign for Breast-ovarian cancer, familial, susceptibility to, 1. Last evaluated: 2016-04-21. Review status: criteria provided, single submitter. Criteria: ACMG Guidelines, 2015. Collection method: clinical testing. Allele origin: germline. Affected: yes. Not counted in ClinVar's aggregate classification.

Color Diagnostics, LLC DBA Color Health
Classification: Benign for Hereditary cancer-predisposing syndrome. Last evaluated: 2015-10-09. Review status: criteria provided, single submitter. Criteria: ACMG Guidelines, 2015. Collection method: clinical testing. Allele origin: germline. Not counted in ClinVar's aggregate classification.

Eurofins Ntd Llc (ga)
Classification: Benign. Last evaluated: 2014-10-07. Review status: criteria provided, single submitter. Criteria: EGL Classification Definitions 2015. Collection method: clinical testing. Allele origin: germline. Observed: 1 variant allele, 1 heterozygote. Not counted in ClinVar's aggregate classification.

Ambry Genetics
Classification: Likely benign for Hereditary cancer-predisposing syndrome. Last evaluated: 2014-07-23. Review status: criteria provided, single submitter. Criteria: Ambry Variant Classification Scheme 2023. Collection method: clinical testing. Allele origin: germline. Not counted in ClinVar's aggregate classification.

GeneDx
Classification: Benign. Last evaluated: 2013-11-04. Review status: criteria provided, single submitter. Criteria: GeneDx Variant Classification (06012015). Collection method: clinical testing. Allele origin: germline. Affected: yes. Not counted in ClinVar's aggregate classification.
Comment: This variant is considered likely benign or benign based on one or more of the following criteria: it is a conservative change, it occurs at a poorly conserved position in the protein, it is predicted to be benign by multiple in silico algorithms, and/or has population frequency not consistent with disease.

Counsyl
Classification: Likely benign for Breast-ovarian cancer, familial 1. Last evaluated: 2014-07-30. Review status: no assertion criteria provided. Collection method: literature only. Allele origin: unknown. Inheritance: Autosomal dominant inheritance. Not counted in ClinVar's aggregate classification.

Foulkes Cancer Genetics LDI, Lady Davis Institute for Medical Research
Classification: Benign for Breast and/or ovarian cancer. Last evaluated: 2012-08-27. Review status: no assertion criteria provided. Collection method: clinical testing. Allele origin: germline. Study: The Canadian Open Genetics Repository (COGR). Not counted in ClinVar's aggregate classification.

Breast Cancer Information Core (BIC) (BRCA1)
Classification: Uncertain significance for Breast-ovarian cancer, familial 1. Last evaluated: 2002-05-29. Review status: no assertion criteria provided. Collection method: clinical testing. Allele origin: germline. Affected: yes. Observed: 2 variant alleles. Not counted in ClinVar's aggregate classification.

Clinical Genetics DNA and cytogenetics Diagnostics Lab, Erasmus MC, Erasmus Medical Center
Classification: Likely benign. Review status: no assertion criteria provided. Collection method: clinical testing. Allele origin: germline. Affected: yes. Study: VKGL Data-share Consensus. Not counted in ClinVar's aggregate classification.

Department of Pathology and Laboratory Medicine, Sinai Health System
Classification: Benign. Review status: no assertion criteria provided. Collection method: clinical testing. Allele origin: unknown. Affected: yes. Observed: 2 variant alleles. Study: The Canadian Open Genetics Repository (COGR). Not counted in ClinVar's aggregate classification.
Comment: The p.Thr703Thr variant is not expected to have clinical significance because it does not alter an amino acid residue, is not located near a splice junction, and is also listed in the dbSNP database as coming from a "clinical source" (rs4986844) with a MAF score of 0.001. And it was identified in varying frequencies in various ethnic groups from the HapMap project. It was also reported in 20/111260 proband chromosomes of individuals from HBOC families, and classified as a polymorphism in the study by Myriad; although no control chromosomes were tested to establish the variantâ€šÃ„Ã´s frequency in the general population (Judkins_2005). In addition, the variant was also identified in the UMD (x4), BIC (x2), Exome Server and BOCs databases. In summary, based on the above information, the variant is classified as predicted benign.

Laboratory of Diagnostic Genome Analysis, Leiden University Medical Center (LUMC)
Classification: Benign. Review status: no assertion criteria provided. Collection method: clinical testing. Allele origin: germline. Affected: yes. Study: VKGL Data-share Consensus. Not counted in ClinVar's aggregate classification.

Literature cited by the submitters: DOI 10.3389/fgene.2022.834265 (cited by National Health Laboratory Service, Universitas Academic Hospital and University of the Free State); PubMed 16267036 (cited by Eurofins Ntd Llc (ga) and Counsyl); PubMed 24729269 (cited by Counsyl); PubMed 18284688 (cited by Counsyl).